The following is an entry in ClinVar:

ClinVar aggregate classification (germline): Likely benign (1 of 4 stars; one submission).

Allele frequency attached by ClinVar (database versions not stated): gnomAD exomes 0.00003; gnomAD 0.00007; TOPMed 0.00007; ExAC 0.00017; 1000 Genomes Project 30x 0.00031; 1000 Genomes Project 0.00040.
gnomAD v4.1: 50 of 1,612,976 alleles (0.0031%); highest among the groups gnomAD compares: East Asian, 0.11%; 1 homozygote.

Submission:

CeGaT Center for Human Genetics Tuebingen
Classification: Likely benign. Last evaluated: 2023-01-01. Review status: criteria provided, single submitter. Criteria: CeGaT Center For Human Genetics Tuebingen Variant Classification Criteria Version 2. Collection method: clinical testing. Allele origin: germline. Affected: yes. Observed: 1 variant allele.
Comment: TCHH: BP4, BP7

NM_007113.4(TCHH):c.2298C>T (p.Asp766=)

Gene: TCHH (trichohyalin; minus strand). Cytogenetic location: 1q21.3.
Variant type: single nucleotide variant.
Coding change: c.2298C>T on transcript NM_007113.4 (MANE Select); coding-DNA position 2298, C replaced by T.
Protein change: p.Asp766=; no amino-acid change (aspartic acid 766 retained).
Molecular consequence: synonymous variant.
Genome position (GRCh38, 1-based): chr1:152,110,919, G>A on the plus strand (C>T on the coding strand, the complement: TCHH is on the minus strand). VCF-style: chr1-152110919-G-A. GRCh37 (hg19) VCF-style: chr1-152083395-G-A.
Identifiers: ClinVar variation 2639190 (VCV002639190.24), dbSNP rs375678995, ClinGen allele CA1098536.